The following is an entry in ClinVar:

NM_000092.5(COL4A4):c.499G>T (p.Gly167Trp)

Gene: COL4A4 (collagen type IV alpha 4 chain; minus strand). Cytogenetic location: 2q36.3.
Variant type: single nucleotide variant.
Coding change: c.499G>T on transcript NM_000092.5 (MANE Select); coding-DNA position 499, G replaced by T.
Protein change: p.Gly167Trp; replaces glycine 167 with tryptophan.
Molecular consequence: missense variant.
Genome position (GRCh38, 1-based): chr2:227,114,687, C>A on the plus strand (G>T on the coding strand, the complement: COL4A4 is on the minus strand). VCF-style: chr2-227114687-C-A. GRCh37 (hg19) VCF-style: chr2-227979403-C-A.
Other names: short protein forms G167W.
Identifiers: ClinVar variation 4800359 (VCV004800359.1).

ClinVar aggregate classification (germline): Uncertain significance (1 of 4 stars; one submission).

Submission:

Labcorp Genetics (formerly Invitae), Labcorp
Classification: Uncertain significance. Last evaluated: 2025-10-08. Review status: criteria provided, single submitter. Criteria: Invitae Variant Classification Sherloc (09022015). Collection method: clinical testing. Allele origin: germline.
Comment: This sequence change replaces glycine, which is neutral and non-polar, with tryptophan, which is neutral and slightly polar, at codon 167 of the COL4A4 protein (p.Gly167Trp). This variant is not present in population databases (gnomAD no frequency). This variant has not been reported in the literature in individuals affected with COL4A4-related conditions. Invitae Evidence Modeling of protein sequence and biophysical properties (such as structural, functional, and spatial information, amino acid conservation, physicochemical variation, residue mobility, and thermodynamic stability) indicates that this missense variant is expected to disrupt COL4A4 protein function with a positive predictive value of 95%. In summary, the available evidence is currently insufficient to determine the role of this variant in disease. Therefore, it has been classified as a Variant of Uncertain Significance.